The following is an entry in ClinVar:

ClinVar aggregate classification (germline): Uncertain significance (1 of 4 stars; one submission).

Conditions:
Epidermolysis bullosa simplex 5B, with muscular dystrophy (EBS5B). Also called: EPIDERMOLYSIS BULLOSA SIMPLEX AND LIMB-GIRDLE MUSCULAR DYSTROPHY; Epidermolysis bullosa simplex with muscular dystrophy. Identifiers: Orphanet 257, MedGen C2931072, MONDO:0009181, OMIM 226670.
Epidermolysis bullosa simplex 5C, with pyloric atresia (EBS5C). Also called: PLEC1-Related Epidermolysis Bullosa with Pyloric Atresia; PLEC-Related Epidermolysis Bullosa with Pyloric Atresia; Epidermolysis bullosa simplex with pyloric atresia. Identifiers: Orphanet 158684, MedGen C2677349, MONDO:0012807, OMIM 612138.
Epidermolysis bullosa simplex, Ogna type (EBS5A). Also called: Pidermolysis bullosa simplex 5A, Ogna type; EPIDERMOLYSIS BULLOSA SIMPLEX 5A, OGNA TYPE. Identifiers: Orphanet 79401, MedGen C0432317, MONDO:0007555, OMIM 131950.
Autosomal recessive limb-girdle muscular dystrophy type 2Q (LGMDR17). Also called: MUSCULAR DYSTROPHY, LIMB-GIRDLE, AUTOSOMAL RECESSIVE 17. Identifiers: Orphanet 254361, MedGen C3150989, MONDO:0013390, OMIM 613723.
Epidermolysis bullosa simplex with nail dystrophy (EBS5D). Identifiers: MedGen C4225309, MONDO:0014661, OMIM 616487.

Allele frequency attached by ClinVar (database versions not stated): ExAC 0.00002; gnomAD exomes 0.00002; gnomAD 0.00003 and 0.00004; TOPMed 0.00003; ESP Exome Variant Server 0.00008.
gnomAD v4.1: 37 of 1,598,264 alleles (0.0023%); highest among the groups gnomAD compares: African/African-American, 0.0054%; no homozygotes.

Submission:

Labcorp Genetics (formerly Invitae), Labcorp
Classification: Uncertain significance for Autosomal recessive limb-girdle muscular dystrophy type 2Q; Epidermolysis bullosa simplex, Ogna type; Epidermolysis bullosa simplex with nail dystrophy; Epidermolysis bullosa simplex 5C, with pyloric atresia; Epidermolysis bullosa simplex 5B, with muscular dystrophy. Last evaluated: 2021-05-13. Review status: criteria provided, single submitter. Criteria: Invitae Variant Classification Sherloc (09022015). Collection method: clinical testing. Allele origin: germline.
Comment: This sequence change replaces arginine with tryptophan at codon 2155 of the PLEC protein (p.Arg2155Trp). The arginine residue is weakly conserved and there is a moderate physicochemical difference between arginine and tryptophan. This variant is present in population databases (rs371501177, ExAC 0.02%). This variant has not been reported in the literature in individuals with PLEC-related conditions. Algorithms developed to predict the effect of missense changes on protein structure and function are either unavailable or do not agree on the potential impact of this missense change (SIFT: "Deleterious"; PolyPhen-2: "Benign"; Align-GVGD: "Class C0"). In summary, the available evidence is currently insufficient to determine the role of this variant in disease. Therefore, it has been classified as a Variant of Uncertain Significance.

NM_201384.3(PLEC):c.6382C>T (p.Arg2128Trp)

Gene: PLEC (plectin; minus strand). Cytogenetic location: 8q24.3.
Variant type: single nucleotide variant.
Coding change: c.6382C>T on transcript NM_201384.3 (MANE Select); coding-DNA position 6382, C replaced by T.
Protein change: p.Arg2128Trp; replaces arginine 2128 with tryptophan.
Molecular consequence: missense variant.
Genome position (GRCh38, 1-based): chr8:143,923,547, G>A on the plus strand (C>T on the coding strand, the complement: PLEC is on the minus strand). VCF-style: chr8-143923547-G-A. GRCh37 (hg19) VCF-style: chr8-144997715-G-A.
Other names: c.6463C>T, p.Arg2155Trp (NM_000445.5); c.6340C>T, p.Arg2114Trp (NM_201378.4); c.6316C>T, p.Arg2106Trp (NM_201379.3); c.6793C>T, p.Arg2265Trp (NM_201380.4); c.6286C>T, p.Arg2096Trp (NM_201381.3); c.6382C>T, p.Arg2128Trp (NM_201382.4); c.6394C>T, p.Arg2132Trp (NM_201383.3); short protein forms R2106W, R2114W, R2132W, R2265W, R2096W, R2155W, R2128W.
Identifiers: ClinVar variation 1494693 (VCV001494693.8), dbSNP rs371501177, ClinGen allele CA4926017.